The following is an entry in ClinVar:

ClinVar aggregate classification (germline): Conflicting classifications of pathogenicity. Review status: criteria provided, conflicting classifications (1 of 4 stars). 6 submissions from 6 submitters: Uncertain significance (4); Likely benign (2). Last evaluated 2026-07-08.

Conditions:
Hereditary cancer-predisposing syndrome. Also called: Hereditary Cancer Syndrome; Tumor predisposition; Hereditary neoplastic syndrome; Neoplastic Syndromes, Hereditary. Identifiers: Orphanet 140162, MedGen C0027672, MeSH D009386, MONDO:0015356.
Intellectual disability, autosomal dominant 16 (CSS4). Also called: COFFIN-SIRIS SYNDROME 4. Identifiers: Orphanet 1465, MedGen C3553249, MONDO:0013821, OMIM 614609.
Rhabdoid tumor predisposition syndrome 2 (RTPS2). Identifiers: Orphanet 231108, Orphanet 69077, MedGen C2750074, MONDO:0013224, OMIM 613325.

Allele frequency attached by ClinVar (database versions not stated): TOPMed 0.00002.
gnomAD v4.1: 36 of 1,607,246 alleles (0.0022%); highest among the groups gnomAD compares: Non-Finnish European, 0.003%; no homozygotes.

Submissions (6):

Myriad Genetics, Inc.
Classification: Likely benign for Rhabdoid tumor predisposition syndrome 2. Last evaluated: 2026-07-08. Review status: criteria provided, single submitter. Criteria: Myriad Autosomal Dominant, Autosomal Recessive and X-Linked Classification Criteria (2023). Collection method: clinical testing. Allele origin: unknown.
Comment: This variant is considered likely benign. This variant has been observed at a population frequency that is significantly greater than expected given the associated disease prevalence and penetrance.

Labcorp Genetics (formerly Invitae), Labcorp
Classification: Uncertain significance for Rhabdoid tumor predisposition syndrome 2. Last evaluated: 2026-01-11. Review status: criteria provided, single submitter. Criteria: Invitae Variant Classification Sherloc (09022015). Collection method: clinical testing. Allele origin: germline.
Comment: This sequence change replaces valine, which is neutral and non-polar, with leucine, which is neutral and non-polar, at codon 1592 of the SMARCA4 protein (p.Val1592Leu). This variant is present in population databases (rs374983142, gnomAD 0.004%). This variant has not been reported in the literature in individuals affected with SMARCA4-related conditions. ClinVar contains an entry for this variant (Variation ID: 238483). Invitae Evidence Modeling of protein sequence and biophysical properties (such as structural, functional, and spatial information, amino acid conservation, physicochemical variation, residue mobility, and thermodynamic stability) has been performed for this missense variant. However, the output from this modeling did not meet the statistical confidence thresholds required to predict the impact of this variant on SMARCA4 protein function. In summary, the available evidence is currently insufficient to determine the role of this variant in disease. Therefore, it has been classified as a Variant of Uncertain Significance.

Baylor Genetics
Classification: Uncertain significance for Rhabdoid tumor predisposition syndrome 2. Last evaluated: 2024-03-29. Review status: criteria provided, single submitter. Criteria: ACMG Guidelines, 2015. Collection method: clinical testing. Allele origin: unknown.

Revvity Omics, Revvity
Classification: Uncertain significance for Intellectual disability, autosomal dominant 16. Last evaluated: 2023-02-22. Review status: criteria provided, single submitter. Criteria: ACMG Guidelines, 2015. Collection method: clinical testing. Allele origin: germline.

Genome-Nilou Lab
Classification: Uncertain significance for Intellectual disability, autosomal dominant 16. Last evaluated: 2021-07-15. Review status: criteria provided, single submitter. Criteria: ACMG Guidelines, 2015. Collection method: clinical testing. Allele origin: germline. Affected: no.

Ambry Genetics
Classification: Likely benign for Hereditary cancer-predisposing syndrome. Last evaluated: 2021-03-25. Review status: criteria provided, single submitter. Criteria: Ambry Variant Classification Scheme 2023. Collection method: clinical testing. Allele origin: germline.

NM_003072.5(SMARCA4):c.4678G>T (p.Val1560Leu)

Gene: SMARCA4 (SWI/SNF related BAF chromatin remodeling complex subunit ATPase 4; plus strand). Cytogenetic location: 19p13.2.
Variant type: single nucleotide variant.
Coding change: c.4678G>T on transcript NM_003072.5 (MANE Select); coding-DNA position 4678, G replaced by T.
Protein change: p.Val1560Leu; replaces valine 1560 with leucine.
Molecular consequence: missense variant. On other transcripts: non-coding transcript variant (1).
Genome position (GRCh38, 1-based): chr19:11,059,795, G>T. VCF-style: chr19-11059795-G-T. GRCh37 (hg19) VCF-style: chr19-11170471-G-T.
Other names: c.4774G>T (NM_001128849.2); c.4774G>T, p.Val1592Leu (NM_001128849.3, NM_001387283.1); c.4579G>T, p.Val1527Leu (NM_001374457.1, NM_001128847.4); c.4678G>T, p.Val1560Leu (NM_001128844.3); c.4588G>T, p.Val1530Leu (NM_001128845.2); c.4585G>T, p.Val1529Leu (NM_001128846.2); c.4576G>T, p.Val1526Leu (NM_001128848.2); short protein forms V1592L, V1526L, V1530L, V1527L, V1529L, V1560L.
Identifiers: ClinVar variation 238483 (VCV000238483.20), dbSNP rs374983142, ClinGen allele CA9204825.